The following is an entry in ClinVar:

NM_000094.4(COL7A1):c.5577A>G (p.Lys1859=)

Gene: COL7A1 (collagen type VII alpha 1 chain; minus strand). Cytogenetic location: 3p21.31.
Variant type: single nucleotide variant.
Coding change: c.5577A>G on transcript NM_000094.4 (MANE Select); coding-DNA position 5577, A replaced by G.
Protein change: p.Lys1859=; no amino-acid change (lysine 1859 retained).
Molecular consequence: synonymous variant.
Genome position (GRCh38, 1-based): chr3:48,576,911, T>C on the plus strand (A>G on the coding strand, the complement: COL7A1 is on the minus strand). VCF-style: chr3-48576911-T-C. GRCh37 (hg19) VCF-style: chr3-48614344-T-C.
Other names: c.5577A>G (NM_000094.3).
Identifiers: ClinVar variation 1097856 (VCV001097856.8), dbSNP rs778146776, ClinGen allele CA2379427.
Genomic context (GRCh38, chr3:48,576,911, plus strand): 5'-GGGTCAGAGGTTGCAGAAAACTCCAATACTCACTTCTCTCCCAGAGGCGCCTGAATCTCC[T>C]TTCTCTCCCTAAGGAAGACAAGGATGCTTCAGGCATGGCTCCAAGCAGAGACCAGAGAGA-3'
Protein context (NP_000085.1, residues 1849-1869): DPGEDGRKGE[Lys1859=]GDSGASGREG

ClinVar aggregate classification (germline): Likely benign. Review status: criteria provided, single submitter (1 of 4 stars). 2 submissions from 2 submitters: Likely benign (1). 1 of the submissions does not count toward it. Last evaluated 2024-06-11.

Conditions:
COL7A1-related disorder. Also called: COL7A1- related disorders; COL7A1-related condition.

Allele frequency attached by ClinVar (database versions not stated): TOPMed 0.00001; gnomAD exomes 0.00002 and 0.00003; ExAC 0.00003.
gnomAD v4.1: 23 of 1,613,992 alleles (0.0014%); highest among the groups gnomAD compares: South Asian, 0.013%; no homozygotes.

Submissions (2):

Labcorp Genetics (formerly Invitae), Labcorp
Classification: Likely benign. Last evaluated: 2024-06-11. Review status: criteria provided, single submitter. Criteria: Invitae Variant Classification Sherloc (09022015). Collection method: clinical testing. Allele origin: germline.

PreventionGenetics, part of Exact Sciences
Classification: Likely benign for COL7A1-related condition. Last evaluated: 2024-09-24. Review status: no assertion criteria provided. Collection method: clinical testing. Allele origin: germline. Not counted in ClinVar's aggregate classification.
Comment: This variant is classified as likely benign based on ACMG/AMP sequence variant interpretation guidelines (Richards et al. 2015 PMID: 25741868, with internal and published modifications).